The following is an entry in ClinVar:

ClinVar aggregate classification (germline): Pathogenic (1 of 4 stars; one submission).

Submission:

Ambry Genetics
Classification: Pathogenic. Last evaluated: 2024-09-25. Review status: criteria provided, single submitter. Criteria: Ambry Variant Classification Scheme 2023. Collection method: clinical testing. Allele origin: germline.
Comment: The c.4305delC (p.S1435Rfs*3) alteration, located in exon 3 (coding exon 2) of the NEXMIF gene, consists of a deletion of one nucleotide at position 4305, causing a translational frameshift with a predicted alternate stop codon after 3 amino acids. This alteration is expected to result in loss of function by premature protein truncation or nonsense-mediated mRNA decay. This variant was not reported in population-based cohorts in the Genome Aggregation Database (gnomAD). Based on the available evidence, this alteration is classified as pathogenic.

NM_001008537.3(NEXMIF):c.4305del (p.Ser1435fs)

Gene: NEXMIF (neurite extension and migration factor; minus strand). Cytogenetic location: Xq13.3.
Variant type: Deletion.
Coding change: c.4305del on transcript NM_001008537.3 (MANE Select); coding-DNA position 4305, one base deleted (C; older notation c.4305delC).
Protein change: p.Ser1435fs; shifts the reading frame from serine 1435.
Molecular consequence: frameshift variant.
Genome position (GRCh38, 1-based): chrX:74,740,252, G deleted on the plus strand (C on the coding strand, the reverse complement: NEXMIF is on the minus strand). VCF-style (leftmost placement, unchanged base first): chrX-74740251-TG-T. GRCh37 (hg19) VCF-style: chrX-73960086-TG-T.
Other names: short protein forms S1435fs.
Identifiers: ClinVar variation 3404548 (VCV003404548.1).
Genomic context (GRCh38, chrX:74,740,251, plus strand): 5'-CCTTGGAGCTGGATTTGTGACGATACAACTTTTTGTGTGTCGGTCCGTTATTGCCTAAAG[TG>T]CTCATGTTACTATACTTTTTATCAAAGAAGGTAGAGCGAGAGTCCTCGTTATAACCAGGC-3'